The following is an entry in ClinVar:

NM_004260.4(RECQL4):c.1682A>T (p.Gln561Leu)

Gene: RECQL4 (RecQ like helicase 4; minus strand). Cytogenetic location: 8q24.3.
Variant type: single nucleotide variant.
Coding change: c.1682A>T on transcript NM_004260.4 (MANE Select); coding-DNA position 1682, A replaced by T.
Protein change: p.Gln561Leu; replaces glutamine 561 with leucine.
Molecular consequence: missense variant.
Genome position (GRCh38, 1-based): chr8:144,514,464, T>A on the plus strand (A>T on the coding strand, the complement: RECQL4 is on the minus strand). VCF-style: chr8-144514464-T-A. GRCh37 (hg19) VCF-style: chr8-145739848-T-A.
Other names: short protein forms Q561L.
Identifiers: ClinVar variation 1463013 (VCV001463013.6), dbSNP rs2130698329, ClinGen allele CA372681610.
Genomic context (GRCh38, chr8:144,514,464, plus strand): 5'-CGCTGCCTCCCTCACCCCTAGGCCCATGAGGCCCCCACCTTCTGCAGGACAGATTCCCGT[T>A]GCTTCCTGGTCATGCCCGAGTGTATGCAGGCCGCCTTGAGACACGGTGGCAGGCCAGACA-3'
Protein context (NP_004251.4, residues 551-571): ACIHSGMTRK[Gln561Leu]RESVLQKIRA

ClinVar aggregate classification (germline): Uncertain significance (1 of 4 stars; one submission).

Conditions:
Baller-Gerold syndrome (BGS). Also called: CRANIOSYNOSTOSIS WITH RADIAL DEFECTS. Identifiers: Orphanet 1225, MedGen C0265308, MONDO:0009039, OMIM 218600.

Submission:

Labcorp Genetics (formerly Invitae), Labcorp
Classification: Uncertain significance for Baller-Gerold syndrome. Last evaluated: 2021-07-01. Review status: criteria provided, single submitter. Criteria: Invitae Variant Classification Sherloc (09022015). Collection method: clinical testing. Allele origin: germline.
Comment: Experimental studies and prediction algorithms are not available or were not evaluated, and the functional significance of this variant is currently unknown. In summary, the available evidence is currently insufficient to determine the role of this variant in disease. Therefore, it has been classified as a Variant of Uncertain Significance. This variant has not been reported in the literature in individuals affected with RECQL4-related conditions. This variant is not present in population databases (ExAC no frequency). This sequence change replaces glutamine with leucine at codon 561 of the RECQL4 protein (p.Gln561Leu). The glutamine residue is highly conserved and there is a moderate physicochemical difference between glutamine and leucine.